The following is an entry in ClinVar:

NM_001001671.4(MAP3K15):c.3686C>G (p.Thr1229Arg)

Genes: MAP3K15 (mitogen-activated protein kinase kinase kinase 15; minus strand), PDHA1 (pyruvate dehydrogenase E1 subunit alpha 1; plus strand). Cytogenetic location: Xp22.12.
Variant type: single nucleotide variant.
Coding change: c.3686C>G on transcript NM_001001671.4 (MANE Select); coding-DNA position 3686, C replaced by G.
Protein change: p.Thr1229Arg; replaces threonine 1229 with arginine.
Molecular consequence: missense variant. On other transcripts: 3 prime UTR variant (4).
Genome position (GRCh38, 1-based): chrX:19,361,587, G>C on the plus strand (C>G on the coding strand, the complement: MAP3K15 is on the minus strand). VCF-style: chrX-19361587-G-C. GRCh37 (hg19) VCF-style: chrX-19379705-G-C.
Other names: c.*1934G>C (NM_000284.4, NM_001173454.2, NM_001173455.2 and 1 more transcripts); short protein forms T1229R.
Identifiers: ClinVar variation 2636120 (VCV002636120.2), dbSNP rs1296783815, ClinGen allele CA412399554.

ClinVar aggregate classification (germline): Uncertain significance. Review status: criteria provided, multiple submitters, no conflicts (2 of 4 stars). 2 submissions from 2 submitters: Uncertain significance (2). Last evaluated 2025-10-30.

Conditions:
MAP3K15-related disorder. Also called: MAP3K15-related condition.

gnomAD v4.1: 9 of 1,188,487 alleles (0.00076%); highest among the groups gnomAD compares: Admixed American, 0.011%; no homozygotes.

Submissions (2):

Ambry Genetics
Classification: Uncertain significance. Last evaluated: 2025-10-30. Review status: criteria provided, single submitter. Criteria: Ambry Variant Classification Scheme 2023. Collection method: clinical testing. Allele origin: germline.

PreventionGenetics, part of Exact Sciences
Classification: Uncertain significance for MAP3K15-related condition. Last evaluated: 2022-11-07. Review status: criteria provided, single submitter. Criteria: ACMG Guidelines, 2015. Collection method: clinical testing. Allele origin: germline.
Comment: The MAP3K15 c.3686C>G variant is predicted to result in the amino acid substitution p.Thr1229Arg. To our knowledge, this variant has not been reported in the literature. This variant is reported in 0.0075% of alleles in individuals of Latino descent in gnomAD. At this time, the clinical significance of this variant is uncertain due to the absence of conclusive functional and genetic evidence.